The following is an entry in ClinVar:

ClinVar aggregate classification (germline): Uncertain significance. Review status: criteria provided, multiple submitters, no conflicts (2 of 4 stars). 5 submissions from 5 submitters: Uncertain significance (5). Last evaluated 2026-01-25.

Conditions:
Cardiovascular phenotype. Identifiers: MedGen CN230736.
Hypertrophic cardiomyopathy 15. Identifiers: MedGen C2750459, MONDO:0013200, OMIM 613255.
Dilated cardiomyopathy 1W (CMD1W). Identifiers: Orphanet 154, MedGen C1969639, MONDO:0012667, OMIM 611407.

Allele frequency attached by ClinVar (database versions not stated): TOPMed 0.00002; gnomAD 0.00001; ExAC 0.00002; gnomAD exomes 0.00002.
gnomAD v4.1: 28 of 1,614,082 alleles (0.0017%); highest among the groups gnomAD compares: Non-Finnish European, 0.0022%; no homozygotes.

Submissions (5):

Labcorp Genetics (formerly Invitae), Labcorp
Classification: Uncertain significance for Dilated cardiomyopathy 1W. Last evaluated: 2026-01-25. Review status: criteria provided, single submitter. Criteria: Invitae Variant Classification Sherloc (09022015). Collection method: clinical testing. Allele origin: germline.
Comment: This sequence change replaces proline, which is neutral and non-polar, with serine, which is neutral and polar, at codon 965 of the VCL protein (p.Pro965Ser). This variant is present in population databases (rs749236817, gnomAD 0.004%). This variant has not been reported in the literature in individuals affected with VCL-related conditions. ClinVar contains an entry for this variant (Variation ID: 192107). An algorithm developed to predict the effect of missense changes on protein structure and function (PolyPhen-2) suggests that this variant is likely to be tolerated. In summary, the available evidence is currently insufficient to determine the role of this variant in disease. Therefore, it has been classified as a Variant of Uncertain Significance.

Ambry Genetics
Classification: Uncertain significance for Cardiovascular phenotype. Last evaluated: 2024-05-22. Review status: criteria provided, single submitter. Criteria: Ambry Variant Classification Scheme 2023. Collection method: clinical testing. Allele origin: germline.
Comment: The p.P965S variant (also known as c.2893C>T), located in coding exon 19 of the VCL gene, results from a C to T substitution at nucleotide position 2893. The proline at codon 965 is replaced by serine, an amino acid with similar properties. This alteration has been reported as a secondary cardiac variant in an exome cohort and has been reported in one ostensibly healthy individual (Ng D et al. Circ Cardiovasc Genet. 2013;6(4):337-46; Couthouis J et al. PLoS Genet, 2014 Oct;10:e1004704). This amino acid position is highly conserved in available vertebrate species. In addition, the in silico prediction for this alteration is inconclusive. Since supporting evidence is limited at this time, the clinical significance of this alteration remains unclear.

KardioGenetik, Herz- und Diabeteszentrum NRW
Classification: Uncertain significance for Dilated cardiomyopathy 1W. Last evaluated: 2023-08-07. Review status: criteria provided, single submitter. Criteria: ACMG Guidelines, 2015. Collection method: clinical testing. Allele origin: unknown. Affected: yes. Observed: 1 variant allele.

Fulgent Genetics
Classification: Uncertain significance for Dilated cardiomyopathy 1W; Hypertrophic cardiomyopathy 15. Last evaluated: 2021-11-01. Review status: criteria provided, single submitter. Criteria: ACMG Guidelines, 2015. Collection method: clinical testing. Allele origin: unknown.

Biesecker Lab/Clinical Genomics Section, National Institutes of Health
Classification: Uncertain significance. Last evaluated: 2013-06-24. Review status: criteria provided, single submitter. Criteria: Ng et al. (Circ Cardiovasc Genet. 2013). Collection method: research. Allele origin: unknown. Observed: 1 variant allele. Study: ClinSeq.
Comment: The study set was not selected for affection status in relation to any cancer. Pathogenicity categories were based on literature curation. See Pubmed ID:23861362 for details.

Medical sequencing

Literature cited by the submitters: PubMed 23861362 (cited by Ambry Genetics); PubMed 25299611 (cited by Ambry Genetics).

NM_014000.3(VCL):c.2893C>T (p.Pro965Ser)

Gene: VCL (vinculin; plus strand). Cytogenetic location: 10q22.2.
Variant type: single nucleotide variant.
Coding change: c.2893C>T on transcript NM_014000.3 (MANE Select); coding-DNA position 2893, C replaced by T.
Protein change: p.Pro965Ser; replaces proline 965 with serine.
Molecular consequence: missense variant. On other transcripts: intron variant (1).
Genome position (GRCh38, 1-based): chr10:74,112,056, C>T. VCF-style: chr10-74112056-C-T. GRCh37 (hg19) VCF-style: chr10-75871814-C-T.
Other names: c.2746-2128C>T (NM_003373.4); short protein forms P965S.
Identifiers: ClinVar variation 192107 (VCV000192107.15), dbSNP rs749236817, ClinGen allele CA238370.